The following is an entry in ClinVar:

NM_001191061.2(SLC25A22):c.661G>A (p.Glu221Lys)

Gene: SLC25A22 (solute carrier family 25 member 22; minus strand). Cytogenetic location: 11p15.5.
Variant type: single nucleotide variant.
Coding change: c.661G>A on transcript NM_001191061.2 (MANE Select); coding-DNA position 661, G replaced by A.
Protein change: p.Glu221Lys; replaces glutamic acid 221 with lysine.
Molecular consequence: missense variant.
Genome position (GRCh38, 1-based): chr11:792,385, C>T on the plus strand (G>A on the coding strand, the complement: SLC25A22 is on the minus strand). VCF-style: chr11-792385-C-T. GRCh37 (hg19) VCF-style: chr11-792385-C-T.
Other names: c.661G>A, p.Glu221Lys (NM_001191060.2, NM_024698.6); short protein forms E221K.
Identifiers: ClinVar variation 1008916 (VCV001008916.9), dbSNP rs1441545632, ClinGen allele CA378968899.

ClinVar aggregate classification (germline): Uncertain significance (1 of 4 stars; one submission).

Conditions:
Early-infantile DEE. Also called: Ohtahara syndrome; Early infantile epileptic encephalopathy with suppression bursts; Early infantile epileptic encephalopathy. Identifiers: Orphanet 1934, MedGen C0393706, MONDO:0800491.

Allele frequency attached by ClinVar (database versions not stated): gnomAD exomes below 0.00001; TOPMed below 0.00001; gnomAD 0.00001.
gnomAD v4.1: 2 of 1,613,198 alleles (0.00012%); highest among the groups gnomAD compares: Admixed American, 0.0017%; no homozygotes.

Submission:

Labcorp Genetics (formerly Invitae), Labcorp
Classification: Uncertain significance for Early-infantile DEE. Last evaluated: 2020-09-09. Review status: criteria provided, single submitter. Criteria: Invitae Variant Classification Sherloc (09022015). Collection method: clinical testing. Allele origin: germline.
Comment: In summary, the available evidence is currently insufficient to determine the role of this variant in disease. Therefore, it has been classified as a Variant of Uncertain Significance. Algorithms developed to predict the effect of missense changes on protein structure and function (SIFT, PolyPhen-2, Align-GVGD) all suggest that this variant is likely to be tolerated, but these predictions have not been confirmed by published functional studies and their clinical significance is uncertain. This variant has not been reported in the literature in individuals with SLC25A22-related conditions. This variant is not present in population databases (ExAC no frequency). This sequence change replaces glutamic acid with lysine at codon 221 of the SLC25A22 protein (p.Glu221Lys). The glutamic acid residue is moderately conserved and there is a small physicochemical difference between glutamic acid and lysine.